The following is an entry in ClinVar:

ClinVar aggregate classification (germline): Pathogenic (1 of 4 stars; one submission).

Conditions:
Congenital muscular hypertrophy-cerebral syndrome (CDLS2). Also called: Cornelia de Lange syndrome 2; SMC1A-Related Cornelia de Lange Syndrome. Identifiers: Orphanet 199, MedGen C1802395, MONDO:0010370, OMIM 300590.

Submission:

Institute for Genomic Medicine (IGM) Clinical Laboratory, Nationwide Children's Hospital
Classification: Pathogenic for Congenital muscular hypertrophy-cerebral syndrome. Last evaluated: 2019-02-28. Review status: criteria provided, single submitter. Criteria: ACMG Guidelines, 2015. Collection method: clinical testing. Allele origin: germline. Affected: yes.
Comment: [ACMG/AMP: PVS1, PM2] This alteration is a null variant in a gene where LOF is a known mechanism of disease [PVS1], is absent from or rarely observed in large-scale population databases [PM2].

NM_006306.4(SMC1A):c.3119dup (p.Thr1041fs)

Gene: SMC1A (structural maintenance of chromosomes 1A; minus strand). Cytogenetic location: Xp11.22.
Variant type: Duplication.
Coding change: c.3119dup on transcript NM_006306.4 (MANE Select); coding-DNA position 3119, one base duplicated (A; older notation c.3119dupA).
Protein change: p.Thr1041fs; shifts the reading frame from threonine 1041.
Molecular consequence: frameshift variant.
Genome position (GRCh38, 1-based): chrX:53,383,108, T duplicated on the plus strand (A on the coding strand, the reverse complement: SMC1A is on the minus strand). VCF-style (leftmost placement, unchanged base first): chrX-53383107-C-CT. GRCh37 (hg19) VCF-style: chrX-53410028-C-CT.
Other names: c.3053dupA (NM_001281463.1); c.3053dup, p.Thr1019fs (NM_001281463.1); short protein forms T1019fs, T1041fs.
Identifiers: ClinVar variation 973229 (VCV000973229.5), dbSNP rs2075591559, ClinGen allele CA1139667583.